The following is an entry in ClinVar:

NM_006393.3(NEBL):c.1008+18C>T

Gene: NEBL (nebulette; minus strand). Cytogenetic location: 10p12.31.
Variant type: single nucleotide variant.
Coding change: c.1008+18C>T on transcript NM_006393.3 (MANE Select); 18 bases into the intron after coding-DNA position 1008, C replaced by T.
Molecular consequence: intron variant.
Genome position (GRCh38, 1-based): chr10:20,852,527, G>A on the plus strand (C>T on the coding strand, the complement: NEBL is on the minus strand). VCF-style: chr10-20852527-G-A. GRCh37 (hg19) VCF-style: chr10-21141456-G-A.
Other names: c.250-39587C>T (NM_001377326.1, NM_001377327.1, NM_001377328.1); c.358-39587C>T (NM_213569.2, NM_001173484.2, NM_001377322.1); c.301-39587C>T (NM_001377324.1); c.292-39587C>T (NM_001377325.1); c.310-39587C>T (NM_001377323.1).
Identifiers: ClinVar variation 138508 (VCV000138508.11), dbSNP rs75903914, ClinGen allele CA333130.

ClinVar aggregate classification (germline): Benign. Review status: criteria provided, multiple submitters, no conflicts (2 of 4 stars). 4 submissions from 4 submitters: Benign (4). Last evaluated 2026-02-02.

Conditions:
Primary dilated cardiomyopathy (DCM). Also called: Dilated Cardiomyopathy. Identifiers: Orphanet 217604, MedGen C0007193, MeSH D002311, MONDO:0005021, HP:0001644. Inheritance: Various modes of inheritance.

Allele frequency attached by ClinVar (database versions not stated): 1000 Genomes Project 0.01518; TOPMed 0.01625; ESP Exome Variant Server 0.01692; 1000 Genomes Project 30x 0.01889.
gnomAD v4.1: 4,344 of 1,577,564 alleles (0.28%); highest among the groups gnomAD compares: African/African-American, 5.1%; 104 homozygotes.

Submissions (4):

Labcorp Genetics (formerly Invitae), Labcorp
Classification: Benign for Primary dilated cardiomyopathy. Last evaluated: 2026-02-02. Review status: criteria provided, single submitter. Criteria: Invitae Variant Classification Sherloc (09022015). Collection method: clinical testing. Allele origin: germline.

Women's Health and Genetics/Laboratory Corporation of America, LabCorp
Classification: Benign. Last evaluated: 2023-08-19. Review status: criteria provided, single submitter. Criteria: LabCorp Variant Classification Summary - May 2015. Collection method: clinical testing. Allele origin: germline.

GeneDx
Classification: Benign. Last evaluated: 2014-03-13. Review status: criteria provided, single submitter. Criteria: GeneDx Variant Classification (06012015). Collection method: clinical testing. Allele origin: germline. Affected: yes.
Comment: This variant is considered likely benign or benign based on one or more of the following criteria: it is a conservative change, it occurs at a poorly conserved position in the protein, it is predicted to be benign by multiple in silico algorithms, and/or has population frequency not consistent with disease.

Breakthrough Genomics
Classification: Benign. Review status: criteria provided, single submitter. Criteria: ACMG Guidelines, 2015. Collection method: not provided. Allele origin: germline. Inheritance: Unknown mechanism. Affected: yes.